The following is an entry in ClinVar:

NM_002519.3(NPAT):c.2911A>G (p.Met971Val)

Gene: NPAT (nuclear protein, coactivator of histone transcription; minus strand). Cytogenetic location: 11q22.3.
Variant type: single nucleotide variant.
Coding change: c.2911A>G on transcript NM_002519.3 (MANE Select); coding-DNA position 2911, A replaced by G.
Protein change: p.Met971Val; replaces methionine 971 with valine.
Molecular consequence: missense variant.
Genome position (GRCh38, 1-based): chr11:108,169,843, T>C on the plus strand (A>G on the coding strand, the complement: NPAT is on the minus strand). VCF-style: chr11-108169843-T-C. GRCh37 (hg19) VCF-style: chr11-108040570-T-C.
Other names: c.2911A>G, p.Met971Val (NM_001321307.1); short protein forms M971V.
Identifiers: ClinVar variation 3222563 (VCV003222563.1), dbSNP rs2496710926, ClinGen allele CA382511962.

ClinVar aggregate classification (germline): Uncertain significance (1 of 4 stars; one submission).

Submission:

Ambry Genetics
Classification: Uncertain significance. Last evaluated: 2024-02-11. Review status: criteria provided, single submitter. Criteria: Ambry Variant Classification Scheme 2023. Collection method: clinical testing. Allele origin: germline.
Comment: The p.M971V variant (also known as c.2911A>G), located in coding exon 15 of the NPAT gene, results from an A to G substitution at nucleotide position 2911. The methionine at codon 971 is replaced by valine, an amino acid with highly similar properties. This amino acid position is conserved. In addition, this alteration is predicted to be tolerated by in silico analysis. Based on the available evidence, the clinical significance of this alteration remains unclear.